The following is an entry in ClinVar:

ClinVar aggregate classification (germline): Uncertain significance (1 of 4 stars; one submission).

Conditions:
Hereditary cancer-predisposing syndrome. Also called: Hereditary Cancer Syndrome; Hereditary neoplastic syndrome; Tumor predisposition; Neoplastic Syndromes, Hereditary. Identifiers: Orphanet 140162, MedGen C0027672, MeSH D009386, MONDO:0015356.

Submission:

Ambry Genetics
Classification: Uncertain significance for Hereditary cancer-predisposing syndrome. Last evaluated: 2020-07-28. Review status: criteria provided, single submitter. Criteria: Ambry Variant Classification Scheme 2023. Collection method: clinical testing. Allele origin: germline.
Comment: The p.E820Q variant (also known as c.2458G>C), located in coding exon 5 of the PALB2 gene, results from a G to C substitution at nucleotide position 2458. The glutamic acid at codon 820 is replaced by glutamine, an amino acid with highly similar properties. This amino acid position is not well conserved in available vertebrate species. In addition, this alteration is predicted to be tolerated by in silico analysis. Since supporting evidence is limited at this time, the clinical significance of this alteration remains unclear.

NM_024675.4(PALB2):c.2458G>C (p.Glu820Gln)

Gene: PALB2 (partner and localizer of BRCA2; minus strand). Cytogenetic location: 16p12.2.
Variant type: single nucleotide variant.
Coding change: c.2458G>C on transcript NM_024675.4 (MANE Select); coding-DNA position 2458, G replaced by C.
Protein change: p.Glu820Gln; replaces glutamic acid 820 with glutamine.
Molecular consequence: missense variant.
Genome position (GRCh38, 1-based): chr16:23,629,696, C>G on the plus strand (G>C on the coding strand, the complement: PALB2 is on the minus strand). VCF-style: chr16-23629696-C-G. GRCh37 (hg19) VCF-style: chr16-23641017-C-G.
Other names: c.2398G>C, p.Glu800Gln (NM_001407296.1); c.2458G>C, p.Glu820Gln (NM_001407297.1, NM_001407298.1, NM_001407299.1 and 3 more transcripts); c.1573G>C, p.Glu525Gln (NM_001407304.1, NM_001407305.1, NM_001407306.1 and 5 more transcripts); c.670G>C, p.Glu224Gln (NM_001407312.1, NM_001407313.1); short protein forms E224Q, E525Q, E800Q, E820Q.
Identifiers: ClinVar variation 1791576 (VCV001791576.2), dbSNP rs772048795, ClinGen allele CA395124128.